The following is an entry in ClinVar:

NM_000059.4(BRCA2):c.1608dup (p.Glu537Ter)

Gene: BRCA2 (BRCA2 DNA repair associated; plus strand). Cytogenetic location: 13q13.1.
Variant type: Duplication.
Coding change: c.1608dup on transcript NM_000059.4 (MANE Select); coding-DNA position 1608, one base duplicated (T; older notation c.1608dupT).
Protein change: p.Glu537Ter; replaces glutamic acid 537 with a stop codon.
Molecular consequence: nonsense.
Genome position (GRCh38, 1-based): chr13:32,333,086, T duplicated. VCF-style (leftmost placement, unchanged base first): chr13-32333085-C-CT. GRCh37 (hg19) VCF-style: chr13-32907222-C-CT.
Other names: 1835insT; c.1608dupT (NM_000059.3); short protein forms E537*.
Identifiers: ClinVar variation 125949 (VCV000125949.4), dbSNP rs276174811, ClinGen allele CA012621.

ClinVar aggregate classification (germline): Pathogenic. Review status: reviewed by expert panel (3 of 4 stars). 2 submissions from 2 submitters: Pathogenic (1). 1 of the submissions does not count toward it. Last evaluated 2016-09-08.

Conditions:
Breast-ovarian cancer, familial, susceptibility to, 2 (BROVCA2). Also called: BRCA2 Hereditary Breast and Ovarian Cancer. Identifiers: Orphanet 145, MedGen C2675520, MONDO:0012933, OMIM 612555. Disease mechanism: loss of function.

Submissions (2):

Evidence-based Network for the Interpretation of Germline Mutant Alleles (ENIGMA)
Classification: Pathogenic for Breast-ovarian cancer, familial, susceptibility to, 2. Last evaluated: 2016-09-08. Review status: reviewed by expert panel. Criteria: ENIGMA BRCA1/2 Classification Criteria (2015). Collection method: curation. Allele origin: germline.
Comment: Variant allele predicted to encode a truncated non-functional protein.

Breast Cancer Information Core (BIC) (BRCA2)
Classification: Pathogenic for Breast-ovarian cancer, familial 2. Last evaluated: 2011-03-02. Review status: no assertion criteria provided. Collection method: clinical testing. Allele origin: germline. Affected: yes. Observed: 2 variant alleles. Not counted in ClinVar's aggregate classification.